The following is an entry in ClinVar:

NM_023067.4(FOXL2):c.197C>A (p.Ala66Glu)

Gene: FOXL2 (forkhead box L2; minus strand). Cytogenetic location: 3q22.3.
Variant type: single nucleotide variant.
Coding change: c.197C>A on transcript NM_023067.4 (MANE Select); coding-DNA position 197, C replaced by A.
Protein change: p.Ala66Glu; replaces alanine 66 with glutamic acid.
Molecular consequence: missense variant.
Genome position (GRCh38, 1-based): chr3:138,946,526, G>T on the plus strand (C>A on the coding strand, the complement: FOXL2 is on the minus strand). VCF-style: chr3-138946526-G-T. GRCh37 (hg19) VCF-style: chr3-138665368-G-T.
Other names: short protein forms A66E.
Identifiers: ClinVar variation 2734578 (VCV002734578.3), dbSNP rs2473815119, ClinGen allele CA354707394.

ClinVar aggregate classification (germline): Pathogenic (1 of 4 stars; one submission).

Submission:

Labcorp Genetics (formerly Invitae), Labcorp
Classification: Pathogenic. Last evaluated: 2023-11-28. Review status: criteria provided, single submitter. Criteria: Invitae Variant Classification Sherloc (09022015). Collection method: clinical testing. Allele origin: germline.
Comment: This sequence change replaces alanine, which is neutral and non-polar, with glutamic acid, which is acidic and polar, at codon 66 of the FOXL2 protein (p.Ala66Glu). This variant is not present in population databases (gnomAD no frequency). This missense change has been observed in individual(s) with blepharophimosis-ptosis-epicanthus inversus syndrome (PMID: 27283035; Invitae). In at least one individual the variant was observed to be de novo. An algorithm developed to predict the effect of missense changes on protein structure and function (PolyPhen-2) suggests that this variant is likely to be disruptive. For these reasons, this variant has been classified as Pathogenic.

Literature cited by the submitters: PubMed 27283035.